The following is an entry in ClinVar:

ClinVar aggregate classification (germline): Uncertain significance (1 of 4 stars; one submission).

Allele frequency attached by ClinVar (database versions not stated): TOPMed below 0.00001; gnomAD 0.00001; gnomAD exomes 0.00001; ExAC 0.00002.
gnomAD v4.1: 10 of 1,611,624 alleles (0.00062%); highest among the groups gnomAD compares: South Asian, 0.0022%; no homozygotes.

Submission:

Labcorp Genetics (formerly Invitae), Labcorp
Classification: Uncertain significance. Last evaluated: 2025-04-17. Review status: criteria provided, single submitter. Criteria: Invitae Variant Classification Sherloc (09022015). Collection method: clinical testing. Allele origin: germline.
Comment: This sequence change replaces proline, which is neutral and non-polar, with serine, which is neutral and polar, at codon 2183 of the POLE protein (p.Pro2183Ser). This variant is present in population databases (rs777503236, gnomAD 0.01%). This variant has not been reported in the literature in individuals affected with POLE-related conditions. ClinVar contains an entry for this variant (Variation ID: 540701). Invitae Evidence Modeling of protein sequence and biophysical properties (such as structural, functional, and spatial information, amino acid conservation, physicochemical variation, residue mobility, and thermodynamic stability) indicates that this missense variant is not expected to disrupt POLE protein function with a negative predictive value of 80%. In summary, the available evidence is currently insufficient to determine the role of this variant in disease. Therefore, it has been classified as a Variant of Uncertain Significance.

NM_006231.4(POLE):c.6547C>T (p.Pro2183Ser)

Gene: POLE (DNA polymerase epsilon, catalytic subunit; minus strand). Cytogenetic location: 12q24.33.
Variant type: single nucleotide variant.
Coding change: c.6547C>T on transcript NM_006231.4 (MANE Select); coding-DNA position 6547, C replaced by T.
Protein change: p.Pro2183Ser; replaces proline 2183 with serine.
Molecular consequence: missense variant.
Genome position (GRCh38, 1-based): chr12:132,625,755, G>A on the plus strand (C>T on the coding strand, the complement: POLE is on the minus strand). VCF-style: chr12-132625755-G-A. GRCh37 (hg19) VCF-style: chr12-133202341-G-A.
Other names: short protein forms P2183S.
Identifiers: ClinVar variation 540701 (VCV000540701.8), dbSNP rs777503236, ClinGen allele CA6892129.